The following is an entry in ClinVar:

ClinVar aggregate classification (germline): Uncertain significance (1 of 4 stars; one submission).

Conditions:
Osteogenesis imperfecta type I (OI1). Also called: OI, TYPE I; OSTEOGENESIS IMPERFECTA TARDA; OSTEOGENESIS IMPERFECTA WITH BLUE SCLERAE; Osteogenesis imperfecta type 1; Classic Non-deforming Osteogenesis Imperfecta with Blue Sclerae; Lobstein's Disease. Identifiers: Orphanet 216796, Orphanet 666, MedGen C0023931, MONDO:0008146, OMIM 166200. Disease mechanism: loss of function.
Ehlers-Danlos syndrome, classic type, 1 (EDSCL1). Also called: EDS I; EHLERS-DANLOS SYNDROME, GRAVIS TYPE; EHLERS-DANLOS SYNDROME, SEVERE CLASSIC TYPE; Ehlers-Danlos Syndrome, Classic Type, COL5A1-Related; Ehlers-Danlos syndrome, type 1. Identifiers: MedGen C0268335, MONDO:0019567, OMIM 130000.

Submission:

Labcorp Genetics (formerly Invitae), Labcorp
Classification: Uncertain significance for Osteogenesis imperfecta type I; Ehlers-Danlos syndrome, classic type, 1. Last evaluated: 2018-10-06. Review status: criteria provided, single submitter. Criteria: Invitae Variant Classification Sherloc (09022015). Collection method: clinical testing. Allele origin: germline.
Comment: This sequence change replaces glycine with cysteine at codon 1107 of the COL1A2 protein (p.Gly1107Cys). The glycine residue is highly conserved and there is a large physicochemical difference between glycine and cysteine. This variant is not present in population databases (ExAC no frequency). This variant has not been reported in the literature in individuals with COL1A2-related disease. Algorithms developed to predict the effect of missense changes on protein structure and function are either unavailable or do not agree on the potential impact of this missense change (SIFT: "Deleterious"; PolyPhen-2: "Not Available"; Align-GVGD: "Class C0"). In summary, the available evidence is currently insufficient to determine the role of this variant in disease. Therefore, it has been classified as a Variant of Uncertain Significance.

NM_000089.4(COL1A2):c.3319G>T (p.Gly1107Cys)

Gene: COL1A2 (collagen type I alpha 2 chain; plus strand). Cytogenetic location: 7q21.3.
Variant type: single nucleotide variant.
Coding change: c.3319G>T on transcript NM_000089.4 (MANE Select); coding-DNA position 3319, G replaced by T.
Protein change: p.Gly1107Cys; replaces glycine 1107 with cysteine.
Molecular consequence: missense variant.
Genome position (GRCh38, 1-based): chr7:94,427,678, G>T. VCF-style: chr7-94427678-G-T. GRCh37 (hg19) VCF-style: chr7-94056990-G-T.
Other names: short protein forms G1107C.
Identifiers: ClinVar variation 664572 (VCV000664572.10), dbSNP rs745396382, ClinGen allele CA368225714.